The following is an entry in ClinVar:

ClinVar aggregate classification (germline): Conflicting classifications of pathogenicity. Review status: criteria provided, conflicting classifications (1 of 4 stars). 3 submissions from 3 submitters: Uncertain significance (2); Likely benign (1). Last evaluated 2025-11-04.

Conditions:
Hypertrophic cardiomyopathy 26. Also called: Cardiomyopathy, familial hypertrophic, 26. Identifiers: Orphanet 75249, MedGen C4310749, MONDO:0014883, OMIM 617047.
Distal myopathy with posterior leg and anterior hand involvement. Also called: WILLIAMS DISTAL MYOPATHY. Identifiers: Orphanet 63273, MedGen C3279722, MONDO:0013550, OMIM 614065.
Myofibrillar myopathy 5. Also called: FILAMINOPATHY, AUTOSOMAL DOMINANT; Filaminopathy (type). Identifiers: Orphanet 171445, MedGen C1836050, MONDO:0012289, OMIM 609524.
FLNC-related disorder. Also called: FLNC-related condition; FLNC-related disorders.
Cardiovascular phenotype. Identifiers: MedGen CN230736.

Allele frequency attached by ClinVar (database versions not stated): gnomAD exomes below 0.00001 and 0.00001; TOPMed below 0.00001; ExAC 0.00001.
gnomAD v4.1: 13 of 1,613,118 alleles (0.00081%); highest among the groups gnomAD compares: East Asian, 0.0045%; no homozygotes.

Submissions (3):

PreventionGenetics, part of Exact Sciences
Classification: Uncertain significance for FLNC-related condition. Last evaluated: 2025-11-04. Review status: criteria provided, single submitter. Criteria: ACMG Guidelines, 2015. Collection method: clinical testing. Allele origin: germline.
Comment: The FLNC c.5995C>T variant is predicted to result in the amino acid substitution p.Arg1999Trp. To our knowledge, this variant has not been reported in the literature. This variant is reported in 0.0065% of alleles in individuals of African descent in gnomAD.  Of note, a different missense variant at the same amino acid residue (p.Arg1999Gln) was reported in a patient with dilated cardiomyopathy (Patient N11 in Jaafar. 2016. PubMed ID: 27574918). At this time, the clinical significance of the c.5995C>T (p.Arg1999Trp) variant is uncertain due to the absence of conclusive functional and genetic evidence.

Labcorp Genetics (formerly Invitae), Labcorp
Classification: Likely benign for Distal myopathy with posterior leg and anterior hand involvement; Myofibrillar myopathy 5; Hypertrophic cardiomyopathy 26. Last evaluated: 2025-05-27. Review status: criteria provided, single submitter. Criteria: Invitae Variant Classification Sherloc (09022015). Collection method: clinical testing. Allele origin: germline.

Ambry Genetics
Classification: Uncertain significance for Cardiovascular phenotype. Last evaluated: 2024-11-03. Review status: criteria provided, single submitter. Criteria: Ambry Variant Classification Scheme 2023. Collection method: clinical testing. Allele origin: germline.
Comment: The p.R1999W variant (also known as c.5995C>T), located in coding exon 36 of the FLNC gene, results from a C to T substitution at nucleotide position 5995. The arginine at codon 1999 is replaced by tryptophan, an amino acid with dissimilar properties. This amino acid position is conserved. In addition, this alteration is predicted to be tolerated by in silico analysis. Since supporting evidence is limited at this time, the clinical significance of this alteration remains unclear.

NM_001458.5(FLNC):c.5995C>T (p.Arg1999Trp)

Genes: FLNC (filamin C; plus strand), FLNC-AS1 (FLNC antisense RNA 1; minus strand). Cytogenetic location: 7q32.1.
Variant type: single nucleotide variant.
Coding change: c.5995C>T on transcript NM_001458.5 (MANE Select); coding-DNA position 5995, C replaced by T.
Protein change: p.Arg1999Trp; replaces arginine 1999 with tryptophan.
Molecular consequence: missense variant.
Genome position (GRCh38, 1-based): chr7:128,852,743, C>T. VCF-style: chr7-128852743-C-T. GRCh37 (hg19) VCF-style: chr7-128492797-C-T.
Other names: c.5896C>T, p.Arg1966Trp (NM_001127487.2); short protein forms R1999W, R1966W.
Identifiers: ClinVar variation 848238 (VCV000848238.12), dbSNP rs746182820, ClinGen allele CA4475847.
Genomic context (GRCh38, chr7:128,852,743, plus strand): 5'-GCCAGCATCCGTGCCCCCTCGGGCAACGAGGAGCCCTGCCTGCTGAAGCGCCTGCCCAAC[C>T]GGCACATTGGTGAGCGTGGGGCCTCACGGGGACCTCAGGGGTGGGGGCCCACAGGATGCT-3'
Protein context (NP_001449.3, residues 1989-2009): EPCLLKRLPN[Arg1999Trp]HIGISFTPKE